The following is an entry in ClinVar:

ClinVar aggregate classification (germline): Pathogenic. Review status: criteria provided, multiple submitters, no conflicts (2 of 4 stars). 4 submissions from 4 submitters: Pathogenic (4). Last evaluated 2025-03-31.

Conditions:
Lynch syndrome 4 (LYNCH4). Also called: Hereditary non-polyposis colorectal cancer, type 4; Colorectal cancer, hereditary nonpolyposis, type 4. Identifiers: Orphanet 144, MedGen C1838333, MONDO:0013699, OMIM 614337. Disease mechanism: loss of function.
PMS2-related disorder. Also called: PMS2-related condition.
Hereditary nonpolyposis colorectal neoplasms. Identifiers: MedGen C0009405, MeSH D003123.
Hereditary cancer-predisposing syndrome. Also called: Hereditary neoplastic syndrome; Neoplastic Syndromes, Hereditary; Tumor predisposition; Hereditary Cancer Syndrome. Identifiers: Orphanet 140162, MedGen C0027672, MeSH D009386, MONDO:0015356.

Submissions (4):

Ambry Genetics
Classification: Pathogenic for Hereditary cancer-predisposing syndrome. Last evaluated: 2025-03-31. Review status: criteria provided, single submitter. Criteria: Ambry Variant Classification Scheme 2023. Collection method: clinical testing. Allele origin: germline.
Comment: The p.Q681* pathogenic mutation (also known as c.2041C>T), located in coding exon 12 of the PMS2 gene, results from a C to T substitution at nucleotide position 2041. This changes the amino acid from a glutamine to a stop codon within coding exon 12. This variant is considered to be rare based on population cohorts in the Genome Aggregation Database (gnomAD). This alteration is expected to result in loss of function by premature protein truncation or nonsense-mediated mRNA decay. As such, this alteration is interpreted as a disease-causing mutation.

Myriad Genetics, Inc.
Classification: Pathogenic for Lynch syndrome 4. Last evaluated: 2024-10-01. Review status: criteria provided, single submitter. Criteria: Myriad Autosomal Dominant, Autosomal Recessive and X-Linked Classification Criteria (2023). Collection method: clinical testing. Allele origin: unknown.
Comment: This variant is considered pathogenic. This variant creates a termination codon and is predicted to result in premature protein truncation.

PreventionGenetics, part of Exact Sciences
Classification: Pathogenic for PMS2-related condition. Last evaluated: 2023-04-17. Review status: criteria provided, single submitter. Criteria: ACMG Guidelines, 2015. Collection method: clinical testing. Allele origin: germline.
Comment: The PMS2 c.2041C>T variant is predicted to result in premature protein termination (p.Gln681*). To our knowledge, this variant has not been reported in the literature or in a large population database, indicating this variant is rare. It is interpreted as pathogenic in ClinVar. Nonsense variants in PMS2 are expected to be pathogenic. This variant is interpreted as pathogenic.

Labcorp Genetics (formerly Invitae), Labcorp
Classification: Pathogenic for Hereditary nonpolyposis colorectal neoplasms. Last evaluated: 2019-06-12. Review status: criteria provided, single submitter. Criteria: Invitae Variant Classification Sherloc (09022015). Collection method: clinical testing. Allele origin: germline.
Comment: For these reasons, this variant has been classified as Pathogenic. Loss-of-function variants in PMS2 are known to be pathogenic (PMID: 21376568, 24362816). This variant has not been reported in the literature in individuals with PMS2-related conditions. The frequency data for this variant in the population databases (ExAC) is considered unreliable due to the presence of homologous sequence, such as pseudogenes or paralogs, in the genome. This sequence change creates a premature translational stop signal (p.Gln681*) in the PMS2 gene. It is expected to result in an absent or disrupted protein product.

Literature cited by the submitters: PubMed 21376568 (cited by Labcorp Genetics (formerly Invitae), Labcorp); PubMed 24362816 (cited by Labcorp Genetics (formerly Invitae), Labcorp).

NM_000535.7(PMS2):c.2041C>T (p.Gln681Ter)

Gene: PMS2 (PMS1 homolog 2, mismatch repair system component; minus strand). Cytogenetic location: 7p22.1.
Variant type: single nucleotide variant.
Coding change: c.2041C>T on transcript NM_000535.7 (MANE Select); coding-DNA position 2041, C replaced by T.
Protein change: p.Gln681Ter; replaces glutamine 681 with a stop codon.
Molecular consequence: nonsense. On other transcripts: non-coding transcript variant (1).
Genome position (GRCh38, 1-based): chr7:5,982,957, G>A on the plus strand (C>T on the coding strand, the complement: PMS2 is on the minus strand). VCF-style: chr7-5982957-G-A. GRCh37 (hg19) VCF-style: chr7-6022588-G-A.
Other names: c.2041C>T (NM_000535.6); c.1636C>T, p.Gln546Ter (NM_001322003.2, NM_001322004.2, NM_001322005.2 and 1 more transcripts); c.1885C>T, p.Gln629Ter (NM_001322006.2); c.1723C>T, p.Gln575Ter (NM_001322007.2, NM_001322008.2); c.1480C>T, p.Gln494Ter (NM_001322010.2); c.1108C>T, p.Gln370Ter (NM_001322011.2, NM_001322012.2); c.1468C>T, p.Gln490Ter (NM_001322013.2); c.2041C>T, p.Gln681Ter (NM_001322014.2); and 1 more; short protein forms Q546*, Q575*, Q681*, Q490*, Q370*, Q494*, Q578*, Q629*.
Identifiers: ClinVar variation 940829 (VCV000940829.13), dbSNP rs1782465728, ClinGen allele CA366738126.